The following is an entry in ClinVar:

NM_005585.5(SMAD6):c.1474C>G (p.Leu492Val)

Gene: SMAD6 (SMAD family member 6; plus strand). Cytogenetic location: 15q22.31.
Variant type: single nucleotide variant.
Coding change: c.1474C>G on transcript NM_005585.5 (MANE Select); coding-DNA position 1474, C replaced by G.
Protein change: p.Leu492Val; replaces leucine 492 with valine.
Molecular consequence: missense variant. On other transcripts: non-coding transcript variant (1).
Genome position (GRCh38, 1-based): chr15:66,781,518, C>G. VCF-style: chr15-66781518-C-G. GRCh37 (hg19) VCF-style: chr15-67073856-C-G.
Other names: short protein forms L492V.
Identifiers: ClinVar variation 3224790 (VCV003224790.1), dbSNP rs1365299973, ClinGen allele CA393202613.
Genomic context (GRCh38, chr15:66,781,518, plus strand): 5'-TGGGGGCCCTGCTACTCCCGGCAGTTCATCACCTCCTGCCCCTGCTGGCTGGAGATCCTC[C>G]TCAACAACCCCAGATAGTGGCGGCCCCGGCGGGAGGGGCGGGTGGGAGGCCGCGGCCACC-3'
Protein context (NP_005576.3, residues 482-496): TSCPCWLEIL[Leu492Val]NNPR

ClinVar aggregate classification (germline): Uncertain significance (1 of 4 stars; one submission).

Conditions:
Inborn genetic diseases. Identifiers: MedGen C0950123, MeSH D030342.

Allele frequency attached by ClinVar (database versions not stated): gnomAD 0.00001.

Submission:

Ambry Genetics
Classification: Uncertain significance for Inborn genetic diseases. Last evaluated: 2023-10-02. Review status: criteria provided, single submitter. Criteria: Ambry Variant Classification Scheme 2023. Collection method: clinical testing. Allele origin: germline.
Comment: The p.L492V variant (also known as c.1474C>G), located in coding exon 4 of the SMAD6 gene, results from a C to G substitution at nucleotide position 1474. The leucine at codon 492 is replaced by valine, an amino acid with highly similar properties. This amino acid position is conserved. In addition, this alteration is predicted to be deleterious by in silico analysis. Since supporting evidence is limited at this time, the clinical significance of this alteration remains unclear.